The following is an entry in ClinVar:

ClinVar aggregate classification (germline): Pathogenic (1 of 4 stars; one submission).

Conditions:
Multiple acyl-CoA dehydrogenase deficiency (MADD). Also called: Glutaric Acidemia type 2; ETHYLMALONIC-ADIPICACIDURIA; GA II; Glutaric aciduria, type 2; Glutaric acidemia type II; GA 2. Identifiers: Orphanet 26791, MedGen C0268596, MONDO:0009282, OMIM 231680.

Submission:

Labcorp Genetics (formerly Invitae), Labcorp
Classification: Pathogenic for Multiple acyl-CoA dehydrogenase deficiency. Last evaluated: 2024-04-14. Review status: criteria provided, single submitter. Criteria: Invitae Variant Classification Sherloc (09022015). Collection method: clinical testing. Allele origin: germline.
Comment: This variant, c.1831_1833del, results in the deletion of 1 amino acid(s) of the ETFDH protein (p.Gly611del), but otherwise preserves the integrity of the reading frame. This variant is not present in population databases (gnomAD no frequency). This variant has not been reported in the literature in individuals affected with ETFDH-related conditions. This variant disrupts a region of the ETFDH protein in which other variant(s) (p.Gly611Glu) have been determined to be pathogenic (PMID: 12359134; Invitae). This suggests that this is a clinically significant region of the protein, and that variants that disrupt it are likely to be disease-causing. For these reasons, this variant has been classified as Pathogenic.

Literature cited by the submitters: PubMed 12359134.

NM_004453.4(ETFDH):c.1825GGA[2] (p.Gly611del)

Gene: ETFDH (electron transfer flavoprotein dehydrogenase; plus strand). Cytogenetic location: 4q32.1.
Variant type: Microsatellite.
Coding change: c.1825GGA[2] on transcript NM_004453.4 (MANE Select); two copies in a row of the 3-base unit GGA starting at c.1825; the reference has three copies in a row; one copy, 3 bases deleted.
Protein change: p.Gly611del; deletes glycine 611.
Molecular consequence: inframe deletion.
Genome position (GRCh38, 1-based): chr4:158,708,504-158,708,506, GGA deleted; deleting any 3 consecutive bases within chr4:158,708,498-158,708,506 gives the same sequence; the position shown is the placement nearest the transcript's 3' end. VCF-style (leftmost placement, unchanged base first): chr4-158708497-TGGA-T. GRCh37 (hg19) VCF-style: chr4-159629649-TGGA-T.
Other names: c.1684GGA[2], p.Gly564del (NM_001281737.2); c.1642GGA[2], p.Gly550del (NM_001281738.1); short protein forms G611del, G550del, G564del.
Identifiers: ClinVar variation 2733756 (VCV002733756.3), dbSNP rs1774703982, ClinGen allele CA1070006707.